The following is an entry in ClinVar:

ClinVar aggregate classification (germline): Likely benign. Review status: criteria provided, multiple submitters, no conflicts (2 of 4 stars). 3 submissions from 3 submitters: Likely benign (3). Last evaluated 2025-08-11.

Conditions:
Cardiovascular phenotype. Identifiers: MedGen CN230736.
Brugada syndrome. Also called: Sudden unexplained nocturnal death syndrome; Sudden unexpected nocturnal death syndrome; Sudden Unexplained Death Syndrome; Sudden Unexplained Nocturnal Death Syndrome (SUNDS). Identifiers: Orphanet 130, MedGen C1142166, MONDO:0015263.

Allele frequency attached by ClinVar (database versions not stated): TOPMed 0.00010; gnomAD 0.00013; ExAC 0.00014; gnomAD exomes 0.00015; 1000 Genomes Project 30x 0.00016; 1000 Genomes Project 0.00020.
gnomAD v4.1: 105 of 1,613,064 alleles (0.0065%); highest among the groups gnomAD compares: East Asian, 0.091%; no homozygotes.

Submissions (3):

Labcorp Genetics (formerly Invitae), Labcorp
Classification: Likely benign for Brugada syndrome. Last evaluated: 2025-08-11. Review status: criteria provided, single submitter. Criteria: Invitae Variant Classification Sherloc (09022015). Collection method: clinical testing. Allele origin: germline.

GeneDx
Classification: Likely benign. Last evaluated: 2023-02-22. Review status: criteria provided, single submitter. Criteria: GeneDx Variant Classification Process June 2021. Collection method: clinical testing. Allele origin: germline. Affected: yes.
Comment: See Variant Classification Assertion Criteria.

Ambry Genetics
Classification: Likely benign for Cardiovascular phenotype. Last evaluated: 2018-12-29. Review status: criteria provided, single submitter. Criteria: Ambry Variant Classification Scheme 2023. Collection method: clinical testing. Allele origin: germline.

NM_000722.4(CACNA2D1):c.3265C>T (p.Arg1089Cys)

Gene: CACNA2D1 (calcium voltage-gated channel auxiliary subunit alpha2delta 1; minus strand). Cytogenetic location: 7q21.11.
Variant type: single nucleotide variant.
Coding change: c.3265C>T on transcript NM_000722.4 (MANE Select); coding-DNA position 3265, C replaced by T.
Protein change: p.Arg1089Cys; replaces arginine 1089 with cysteine.
Molecular consequence: missense variant.
Genome position (GRCh38, 1-based): chr7:81,950,403, G>A on the plus strand (C>T on the coding strand, the complement: CACNA2D1 is on the minus strand). VCF-style: chr7-81950403-G-A. GRCh37 (hg19) VCF-style: chr7-81579719-G-A.
Other names: c.3301C>T, p.Arg1101Cys (NM_001366867.1); c.3265C>T (LRG_437t1); short protein forms R1089C, R1101C.
Identifiers: ClinVar variation 512901 (VCV000512901.17), dbSNP rs550794714, ClinGen allele CA4317324.